The following is an entry in ClinVar:

NM_017570.5(OPLAH):c.1850T>C (p.Met617Thr)

Gene: OPLAH (5-oxoprolinase, ATP-hydrolysing; minus strand). Cytogenetic location: 8q24.3.
Variant type: single nucleotide variant.
Coding change: c.1850T>C on transcript NM_017570.5 (MANE Select); coding-DNA position 1850, T replaced by C.
Protein change: p.Met617Thr; replaces methionine 617 with threonine.
Molecular consequence: missense variant.
Genome position (GRCh38, 1-based): chr8:144,056,518, A>G on the plus strand (T>C on the coding strand, the complement: OPLAH is on the minus strand). VCF-style: chr8-144056518-A-G. GRCh37 (hg19) VCF-style: chr8-145111421-A-G.
Other names: c.1850T>C (NM_017570.4); short protein forms M617T.
Identifiers: ClinVar variation 1033426 (VCV001033426.7), dbSNP rs370801470, ClinGen allele CA4931682.

ClinVar aggregate classification (germline): Uncertain significance. Review status: criteria provided, multiple submitters, no conflicts (2 of 4 stars). 5 submissions from 5 submitters: Uncertain significance (5). Last evaluated 2025-03-31.

Conditions:
OPLAH-related disorder. Also called: OPLAH-related condition.
5-Oxoprolinase deficiency (OPLAHD). Also called: 5-OXOPROLINURIA DUE TO 5-OXOPROLINASE DEFICIENCY. Identifiers: Orphanet 33572, MedGen C0268525, MONDO:0009825, OMIM 260005, HP:0040142.

Allele frequency attached by ClinVar (database versions not stated): ExAC 0.00004; gnomAD exomes 0.00005 and 0.00011; gnomAD 0.00007 and 0.00008; ESP Exome Variant Server 0.00008; TOPMed 0.00009.
gnomAD v4.1: 172 of 1,611,820 alleles (0.011%); highest among the groups gnomAD compares: Non-Finnish European, 0.014%; no homozygotes.

Submissions (5):

PreventionGenetics, part of Exact Sciences
Classification: Uncertain significance for OPLAH-related condition. Last evaluated: 2025-03-31. Review status: criteria provided, single submitter. Criteria: ACMG Guidelines, 2015. Collection method: clinical testing. Allele origin: germline.
Comment: The OPLAH c.1850T>C variant is predicted to result in the amino acid substitution p.Met617Thr. To our knowledge, this variant has not been reported in the literature. This variant is reported in 0.011% of alleles in individuals of European (Non-Finnish) descent in gnomAD. At this time, the clinical significance of this variant is uncertain due to the absence of conclusive functional and genetic evidence.

Ambry Genetics
Classification: Uncertain significance. Last evaluated: 2025-02-26. Review status: criteria provided, single submitter. Criteria: Ambry Variant Classification Scheme 2023. Collection method: clinical testing. Allele origin: germline.

Fulgent Genetics
Classification: Uncertain significance for 5-Oxoprolinase deficiency. Last evaluated: 2022-03-07. Review status: criteria provided, single submitter. Criteria: ACMG Guidelines, 2015. Collection method: clinical testing. Allele origin: unknown.

Labcorp Genetics (formerly Invitae), Labcorp
Classification: Uncertain significance for 5-Oxoprolinase deficiency. Last evaluated: 2020-08-18. Review status: criteria provided, single submitter. Criteria: Invitae Variant Classification Sherloc (09022015). Collection method: clinical testing. Allele origin: germline.
Comment: This sequence change replaces methionine with threonine at codon 617 of the OPLAH protein (p.Met617Thr). The methionine residue is weakly conserved and there is a moderate physicochemical difference between methionine and threonine. This variant is present in population databases (rs370801470, ExAC 0.008%). This variant has not been reported in the literature in individuals with OPLAH-related conditions. Algorithms developed to predict the effect of missense changes on protein structure and function are either unavailable or do not agree on the potential impact of this missense change (SIFT: Not Available; PolyPhen-2: Benign; Align-GVGD: Not Available). In summary, the available evidence is currently insufficient to determine the role of this variant in disease. Therefore, it has been classified as a Variant of Uncertain Significance.

Baylor Genetics
Classification: Uncertain significance for 5-Oxoprolinase deficiency. Last evaluated: 2018-01-25. Review status: criteria provided, single submitter. Criteria: ACMG Guidelines, 2015. Collection method: clinical testing. Allele origin: paternal. Affected: yes.
Comment: This variant was determined to be of uncertain significance according to ACMG Guidelines, 2015 [PMID:25741868].